The following is an entry in ClinVar:

NM_001375808.2(LPIN2):c.1072A>G (p.Met358Val)

Gene: LPIN2 (lipin 2; minus strand). Cytogenetic location: 18p11.31.
Variant type: single nucleotide variant.
Coding change: c.1072A>G on transcript NM_001375808.2 (MANE Select); coding-DNA position 1072, A replaced by G.
Protein change: p.Met358Val; replaces methionine 358 with valine.
Molecular consequence: missense variant.
Genome position (GRCh38, 1-based): chr18:2,937,788, T>C on the plus strand (A>G on the coding strand, the complement: LPIN2 is on the minus strand). VCF-style: chr18-2937788-T-C. GRCh37 (hg19) VCF-style: chr18-2937786-T-C.
Other names: c.1072A>G, p.Met358Val (NM_001375809.1, NM_014646.2); short protein forms M358V.
Identifiers: ClinVar variation 1391811 (VCV001391811.5), dbSNP rs1468101530, ClinGen allele CA401706316.
Genomic context (GRCh38, chr18:2,937,788, plus strand): 5'-GTTTGGATTCTGAGGGCGCCTCCGCTAAGGCTGCGTTGGGAAGGTGGTCAGCATCTAACA[T>C]AGATGAAATCTGAGTACTCTCAAGAGGAGGTTCGAGAAGCTCTGCCACAGATGTTGGGTC-3'
Protein context (NP_001362737.1, residues 348-368): PPLESTQISS[Met358Val]LDADHLPNAA

ClinVar aggregate classification (germline): Uncertain significance (1 of 4 stars; one submission).

Conditions:
Majeed syndrome (MJDS). Also called: CHRONIC RECURRENT MULTIFOCAL OSTEOMYELITIS 1, WITH CONGENITAL DYSERYTHROPOIETIC ANEMIA, WITH OR WITHOUT NEUTROPHILIC DERMATOSIS; LPIN2-Related Majeed Syndrome. Identifiers: Orphanet 77297, MedGen C1864997, MONDO:0012316, OMIM 609628.

Allele frequency attached by ClinVar (database versions not stated): gnomAD 0.00001; gnomAD exomes 0.00001; TOPMed 0.00001.
gnomAD v4.1: 12 of 1,614,122 alleles (0.00074%); highest among the groups gnomAD compares: African/African-American, 0.0053%; no homozygotes.

Submission:

Labcorp Genetics (formerly Invitae), Labcorp
Classification: Uncertain significance for Majeed syndrome. Last evaluated: 2021-08-31. Review status: criteria provided, single submitter. Criteria: Invitae Variant Classification Sherloc (09022015). Collection method: clinical testing. Allele origin: germline.
Comment: This sequence change replaces methionine with valine at codon 358 of the LPIN2 protein (p.Met358Val). The methionine residue is weakly conserved and there is a small physicochemical difference between methionine and valine. This variant is not present in population databases (ExAC no frequency). This variant has not been reported in the literature in individuals affected with LPIN2-related conditions. Algorithms developed to predict the effect of missense changes on protein structure and function output the following: SIFT: "Tolerated"; PolyPhen-2: "Benign"; Align-GVGD: "Class C0". The valine amino acid residue is found in multiple mammalian species, which suggests that this missense change does not adversely affect protein function. In summary, the available evidence is currently insufficient to determine the role of this variant in disease. Therefore, it has been classified as a Variant of Uncertain Significance.